The following is an entry in ClinVar:

ClinVar aggregate classification (germline): Pathogenic (1 of 4 stars; one submission).

Conditions:
Breast-ovarian cancer, familial, susceptibility to, 3. Also called: RAD51C-Related Breast/Ovarian Cancer. Identifiers: Orphanet 145, MedGen C3150659, MONDO:0013253, OMIM 613399.

Allele frequency attached by ClinVar (database versions not stated): gnomAD exomes below 0.00001.

Submission:

Myriad Genetics, Inc.
Classification: Pathogenic for Breast-ovarian cancer, familial, susceptibility to, 3. Last evaluated: 2024-01-02. Review status: criteria provided, single submitter. Criteria: Myriad Autosomal Dominant, Autosomal Recessive and X-Linked Classification Criteria (2023). Collection method: clinical testing. Allele origin: unknown.
Comment: This variant is considered pathogenic. This variant creates a frameshift predicted to result in premature protein truncation.

NM_058216.3(RAD51C):c.478dup (p.Thr160fs)

Gene: RAD51C (RAD51 paralog C; plus strand). Cytogenetic location: 17q22.
Variant type: Duplication.
Coding change: c.478dup on transcript NM_058216.3 (MANE Select); coding-DNA position 478, one base duplicated (A; older notation c.478dupA).
Protein change: p.Thr160fs; shifts the reading frame from threonine 160.
Molecular consequence: frameshift variant.
Genome position (GRCh38, 1-based): chr17:58,696,766, A duplicated. VCF-style (leftmost placement, unchanged base first): chr17-58696765-T-TA. GRCh37 (hg19) VCF-style: chr17-56774126-T-TA.
Other names: short protein forms T160fs.
Identifiers: ClinVar variation 3148634 (VCV003148634.1), dbSNP rs2509282138, ClinGen allele CA2638990188.
Genomic context (GRCh38, chr17:58,696,765, plus strand): 5'-AGTAGATGTGCAGATACCAGAATGTTTTGGAGGAGTGGCAGGTGAAGCAGTTTTTATTGA[T>TA]ACAGAGGGAAGTTTTATGGTTGATAGAGTGGTAGACCTTGCTACTGCCTGCATTCAGCAC-3'